The following is an entry in ClinVar:

ClinVar aggregate classification (germline): Likely benign (1 of 4 stars; one submission).

Allele frequency attached by ClinVar (database versions not stated): ExAC 0.00001; gnomAD 0.00001; TOPMed 0.00001; gnomAD exomes 0.00004.
gnomAD v4.1: 61 of 1,612,608 alleles (0.0038%); highest among the groups gnomAD compares: Non-Finnish European, 0.0052%; no homozygotes.

Submission:

CeGaT Center for Human Genetics Tuebingen
Classification: Likely benign. Last evaluated: 2023-06-01. Review status: criteria provided, single submitter. Criteria: CeGaT Center For Human Genetics Tuebingen Variant Classification Criteria Version 2. Collection method: clinical testing. Allele origin: germline. Affected: yes. Observed: 1 variant allele.
Comment: DHCR7: BP4, BP7

NM_001360.3(DHCR7):c.1350C>G (p.Arg450=)

Gene: DHCR7 (7-dehydrocholesterol reductase; minus strand). Cytogenetic location: 11q13.4.
Variant type: single nucleotide variant.
Coding change: c.1350C>G on transcript NM_001360.3 (MANE Select); coding-DNA position 1350, C replaced by G.
Protein change: p.Arg450=; no amino-acid change (arginine 450 retained).
Molecular consequence: synonymous variant.
Genome position (GRCh38, 1-based): chr11:71,435,453, G>C on the plus strand (C>G on the coding strand, the complement: DHCR7 is on the minus strand). VCF-style: chr11-71435453-G-C. GRCh37 (hg19) VCF-style: chr11-71146499-G-C.
Other names: c.1350C>G, p.Arg450= (NM_001163817.2).
Identifiers: ClinVar variation 2570805 (VCV002570805.27), dbSNP rs772016342, ClinGen allele CA6162252.
Genomic context (GRCh38, chr11:71,435,453, plus strand): 5'-CAGGCGGTAAGGCACTGCGGCGGTGTAGCGCTCCCAGTCCCGGCCGTACTTGCTGGCGCA[G>C]CGGTGCTCGTCCCGGAGGCAGCGGTGGGTCAGCAGGATGGCCATGTAGATGATGTAGAAG-3'
Protein context (NP_001351.2, residues 440-460): LTHRCLRDEH[Arg450=]CASKYGRDWE